The following is an entry in ClinVar:

NM_001034853.2(RPGR):c.619+5G>A

Gene: RPGR (retinitis pigmentosa GTPase regulator; minus strand). Cytogenetic location: Xp11.4.
Variant type: single nucleotide variant.
Coding change: c.619+5G>A on transcript NM_001034853.2 (MANE Select); 5 bases into the intron after coding-DNA position 619, G replaced by A.
Molecular consequence: intron variant.
Genome position (GRCh38, 1-based): chrX:38,317,311, C>T on the plus strand (G>A on the coding strand, the complement: RPGR is on the minus strand). VCF-style: chrX-38317311-C-T. GRCh37 (hg19) VCF-style: chrX-38176564-C-T.
Other names: c.616+5G>A (NM_001367249.1); c.619+5G>A (NM_001367250.1, NM_001367245.1, NM_001367251.1 and 3 more transcripts); c.649+5G>A (NM_001367248.1).
Identifiers: ClinVar variation 98792 (VCV000098792.5), dbSNP rs62638649, ClinGen allele CA226431.

ClinVar aggregate classification (germline): Pathogenic. Review status: reviewed by expert panel (3 of 4 stars). 5 submissions from 5 submitters: Pathogenic (1). 4 of the submissions do not count toward it. Last evaluated 2026-09-26.

Conditions:
RPGR-related retinopathy. Also called: RPGR retinopathy. Identifiers: MedGen CN305589, MONDO:0100437.
RPGR-related disorder. Also called: RPGR-related condition.
Primary ciliary dyskinesia. Also called: Ciliary dyskinesia. Identifiers: Orphanet 244, MedGen C0008780, MONDO:0016575, HP:0012265.
X-linked cone-rod dystrophy 1 (CORDX1). Identifiers: Orphanet 1872, MedGen C1844776, MONDO:0010566, OMIM 304020.

Submissions (5):

ClinGen X-linked Inherited Retinal Disease Variant Curation Expert Panel, ClinGen
Classification: Pathogenic for RPGR-related retinopathy. Last evaluated: 2026-09-26. Review status: reviewed by expert panel. Criteria: ClinGen X LinkedIRD ACMG Specifications RPGR V1.0.0. Collection method: curation. Allele origin: germline. Inheritance: X-linked inheritance.
Comment: NM_001034853.2(RPGR):c.619+5G>A, an intronic variant located 5 nucleotides after exon 6 within intron 6. This variant is absent from gnomAD v4.1.0 (PM2_Supporting). At least one proband harboring this variant exhibits a phenotype including onset in first or second decade (1 pt), family history consistent with X-linked inheritance (2 pts), nyctalopia (0.5 pts), optic nerve pallor (0.5 pts), pigmentary retinopathy (0.5 pts), and NGS sequencing (2 pts), which together are specific for RPGR-related retinopathy (6.5 points, PMID: 36882936, 32856788, PP4). This variant has been reported in at least 1 proband meeting one of the PS4 requirements of a male with some functional vision impairment by age 30 and/or decreased or absent ERG responses, or a female with a functional visual abnormality, and documentation of a male relative affected with retinitis pigmentosa, as well as a second apparently unrelated proband previously used for the PP4 code (PMIDs: 33372982, 36460718, 36445968, 10737996, PS4_Supporting). The variant has been reported to segregate with retinal dystrophy through at least 4 affected meioses from >2 families. (PP1_Strong; PMIDs: 36882936, 33372982). The splicing impact predictor SpliceAI gives a score of 0.82, which is above the ClinGen X-linked IRD VCEP recommended threshold of ≥0.2 and predicts a damaging impact on splicing (PP3). Another predicted splicing variant in the same splice donor motif, NM_001034853.2(RPGR):c.619+2T>A, was previously classified as pathogenic for RPGR-related retinopathy by ClinGen X-linked IRD VCEP (PS1_Moderate). In summary, this variant is classified as pathogenic for RPGR-related retinopathy based on the ClinGen X-linked Inherited Retinal Disease Expert Panel Specifications to the ACMG/AMP Variant Interpretation Guidelines for RPGR Version 1.0.0: PS1_Moderate, PS4_Supporting, PM2_Supporting, PP1_strong, PP3, and PP4.

3billion
Classification: Uncertain significance for X-linked cone-rod dystrophy 1. Last evaluated: 2025-08-19. Review status: criteria provided, single submitter. Criteria: ACMG Guidelines, 2015. Collection method: clinical testing. Allele origin: germline. Affected: yes. Not counted in ClinVar's aggregate classification.
Comment: The variant is not observed in the gnomAD v4.1.0 dataset. Predicted Consequence/Location: Intron variant In silico tools predict the variant to alter splicing and produce an abnormal transcript [SpliceAI: 0.82 (>=0.2, moderate evidence for spliceogenicity)]. The variant has been reported to be associated with RPGR-related disorder (PMID: 10737996, 33372982). However, the evidence of pathogenicity is insufficient at this time. Therefore, this variant is classified as VUS according to the recommendation of ACMG/AMP guideline.

Blueprint Genetics
Classification: Likely pathogenic for RPGR-related disorders. Last evaluated: 2022-11-02. Review status: criteria provided, single submitter. Criteria: ACMG Guidelines, 2015. Collection method: clinical testing. Allele origin: germline. Affected: yes. Observed: 2 variant alleles. Not counted in ClinVar's aggregate classification.

Labcorp Genetics (formerly Invitae), Labcorp
Classification: Uncertain significance for Primary ciliary dyskinesia. Last evaluated: 2019-08-31. Review status: criteria provided, single submitter. Criteria: Invitae Variant Classification Sherloc (09022015). Collection method: clinical testing. Allele origin: germline. Not counted in ClinVar's aggregate classification.
Comment: This sequence change falls in intron 6 of the RPGR gene. It does not directly change the encoded amino acid sequence of the RPGR protein, but it affects a nucleotide within the consensus splice site of the intron. This variant is not present in population databases (ExAC no frequency). This variant has been observed in individuals affected with retinal dystrophy (PMID: 10737996, Invitae). This variant is also known as IVS6+5G>A in the literature. ClinVar contains an entry for this variant (Variation ID: 98792). Nucleotide substitutions within the consensus splice site are a relatively common cause of aberrant splicing (PMID: 17576681, 9536098). Algorithms developed to predict the effect of sequence changes on RNA splicing suggest that this variant may disrupt the consensus splice site, but this prediction has not been confirmed by published transcriptional studies. In summary, the available evidence is currently insufficient to determine the role of this variant in disease. Therefore, it has been classified as a Variant of Uncertain Significance.

Retina International
No classification provided. Review status: no classification provided. Collection method: not provided. Allele origin: not provided. Not counted in ClinVar's aggregate classification.

Literature cited by the submitters: PubMed 10737996 (cited by 3billion and Labcorp Genetics (formerly Invitae), Labcorp).